The following is an entry in ClinVar:

ClinVar aggregate classification (germline): Pathogenic (1 of 4 stars; one submission).

Conditions:
Retinitis pigmentosa 71 (RP71). Identifiers: Orphanet 791, MedGen C4225342, MONDO:0014618, OMIM 616394.
Short-rib thoracic dysplasia 10 with or without polydactyly (SRTD10). Identifiers: Orphanet 474, MedGen C3810175, MONDO:0014284, OMIM 615630.

Allele frequency attached by ClinVar (database versions not stated): gnomAD 0.00001; TOPMed below 0.00001; gnomAD exomes below 0.00001.

Submission:

Labcorp Genetics (formerly Invitae), Labcorp
Classification: Pathogenic for Retinitis pigmentosa 71; Short-rib thoracic dysplasia 10 with or without polydactyly. Last evaluated: 2026-02-01. Review status: criteria provided, single submitter. Criteria: Invitae Variant Classification Sherloc (09022015). Collection method: clinical testing. Allele origin: germline.
Comment: This sequence change creates a premature translational stop signal (p.Thr1533Asnfs*47) in the IFT172 gene. It is expected to result in an absent or disrupted protein product. Loss-of-function variants in IFT172 are known to be pathogenic (PMID: 24140113). This variant is present in population databases (no rsID available, gnomAD 0.0009%). This variant has not been reported in the literature in individuals affected with IFT172-related conditions. ClinVar contains an entry for this variant (Variation ID: 1365957). For these reasons, this variant has been classified as Pathogenic.

Literature cited by the submitters: PubMed 24140113.

NM_015662.3(IFT172):c.4597dup (p.Thr1533fs)

Gene: IFT172 (intraflagellar transport 172; minus strand). Cytogenetic location: 2p23.3.
Variant type: Duplication.
Coding change: c.4597dup on transcript NM_015662.3 (MANE Select); coding-DNA position 4597, one base duplicated (A; older notation c.4597dupA).
Protein change: p.Thr1533fs; shifts the reading frame from threonine 1533.
Molecular consequence: frameshift variant.
Genome position (GRCh38, 1-based): chr2:27,447,577, T duplicated on the plus strand (A on the coding strand, the reverse complement: IFT172 is on the minus strand). VCF-style (leftmost placement, unchanged base first): chr2-27447576-G-GT. GRCh37 (hg19) VCF-style: chr2-27670443-G-GT.
Other names: short protein forms T1533fs.
Identifiers: ClinVar variation 1365957 (VCV001365957.6), dbSNP rs1183354903, ClinGen allele CA531447278.
Genomic context (GRCh38, chr2:27,447,576, plus strand): 5'-AGCTGTTTGACACTCTGGGCTGCAGAGCGCGTGGCATAGTAATGAGCGATCAGCAGCATC[G>GT]TCTTGAACTCCTCATGGGCTGGAGAGTTTGCCTCACTGGACTTCACCAGGTTTTCACACT-3'